The following is an entry in ClinVar:

NM_018089.3(ANKZF1):c.249CCA[1] (p.His84del)

Gene: ANKZF1 (ankyrin repeat and zinc finger peptidyl tRNA hydrolase 1; plus strand). Cytogenetic location: 2q35.
Variant type: Microsatellite.
Coding change: c.249CCA[1] on transcript NM_018089.3 (MANE Select); one copy of the 3-base unit CCA starting at c.249; the reference has two copies in a row; one copy, 3 bases deleted.
Protein change: p.His84del; deletes histidine 84.
Molecular consequence: inframe deletion. On other transcripts: intron variant (1).
Genome position (GRCh38, 1-based): chr2:219,232,031-219,232,033, CCA deleted; deleting any 3 consecutive bases within chr2:219,232,027-219,232,033 gives the same sequence; the position shown is the placement nearest the transcript's 3' end. VCF-style (leftmost placement, unchanged base first): chr2-219232026-AACC-A. GRCh37 (hg19) VCF-style: chr2-220096748-AACC-A.
Other names: c.249CCA[1], p.His84del (NM_001042410.2); c.-266-459_-266-457del (NM_001282792.2); c.252_254delCCA (NM_018089.2); short protein forms H84del.
Identifiers: ClinVar variation 1089743 (VCV001089743.11), dbSNP rs571893305, ClinGen allele CA2120676.

ClinVar aggregate classification (germline): Likely benign. Review status: criteria provided, single submitter (1 of 4 stars). 2 submissions from 2 submitters: Likely benign (1). 1 of the submissions does not count toward it. Last evaluated 2026-01-29.

Conditions:
ANKZF1-related disorder. Also called: ANKZF1-related condition.

Submissions (2):

Labcorp Genetics (formerly Invitae), Labcorp
Classification: Likely benign. Last evaluated: 2026-01-29. Review status: criteria provided, single submitter. Criteria: Invitae Variant Classification Sherloc (09022015). Collection method: clinical testing. Allele origin: germline.

PreventionGenetics, part of Exact Sciences
Classification: Likely benign for ANKZF1-related condition. Last evaluated: 2020-09-29. Review status: no assertion criteria provided. Collection method: clinical testing. Allele origin: germline. Not counted in ClinVar's aggregate classification.
Comment: This variant is classified as likely benign based on ACMG/AMP sequence variant interpretation guidelines (Richards et al. 2015 PMID: 25741868, with internal and published modifications).